The following is an entry in ClinVar:

ClinVar aggregate classification (germline): Uncertain significance (1 of 4 stars; one submission).

Conditions:
KBG syndrome (KBGS). Also called: ANKRD11-Related KBG Syndrome. Identifiers: Orphanet 2332, MedGen C0220687, MONDO:0007846, OMIM 148050.

Submission:

Labcorp Genetics (formerly Invitae), Labcorp
Classification: Uncertain significance for KBG syndrome. Last evaluated: 2025-02-27. Review status: criteria provided, single submitter. Criteria: Invitae Variant Classification Sherloc (09022015). Collection method: clinical testing. Allele origin: germline.
Comment: This sequence change replaces glutamic acid, which is acidic and polar, with glycine, which is neutral and non-polar, at codon 982 of the ANKRD11 protein (p.Glu982Gly). This variant is not present in population databases (gnomAD no frequency). This variant has not been reported in the literature in individuals affected with ANKRD11-related conditions. Invitae Evidence Modeling of protein sequence and biophysical properties (such as structural, functional, and spatial information, amino acid conservation, physicochemical variation, residue mobility, and thermodynamic stability) indicates that this missense variant is not expected to disrupt ANKRD11 protein function with a negative predictive value of 95%. In summary, the available evidence is currently insufficient to determine the role of this variant in disease. Therefore, it has been classified as a Variant of Uncertain Significance.

NM_013275.6(ANKRD11):c.2945A>G (p.Glu982Gly)

Gene: ANKRD11 (ankyrin repeat domain 11; minus strand). Cytogenetic location: 16q24.3.
Variant type: single nucleotide variant.
Coding change: c.2945A>G on transcript NM_013275.6 (MANE Select); coding-DNA position 2945, A replaced by G.
Protein change: p.Glu982Gly; replaces glutamic acid 982 with glycine.
Molecular consequence: missense variant.
Genome position (GRCh38, 1-based): chr16:89,283,597, T>C on the plus strand (A>G on the coding strand, the complement: ANKRD11 is on the minus strand). VCF-style: chr16-89283597-T-C. GRCh37 (hg19) VCF-style: chr16-89350005-T-C.
Other names: c.2945A>G, p.Glu982Gly (NM_001256182.2, NM_001256183.2); short protein forms E982G.
Identifiers: ClinVar variation 3678367 (VCV003678367.2).